The following is an entry in ClinVar:

NM_002834.5(PTPN11):c.227A>T (p.Glu76Val)

Gene: PTPN11 (protein tyrosine phosphatase non-receptor type 11; plus strand). Cytogenetic location: 12q24.13.
Variant type: single nucleotide variant.
Coding change: c.227A>T on transcript NM_002834.5 (MANE Select); coding-DNA position 227, A replaced by T.
Protein change: p.Glu76Val; replaces glutamic acid 76 with valine.
Molecular consequence: missense variant.
Genome position (GRCh38, 1-based): chr12:112,450,407, A>T. VCF-style: chr12-112450407-A-T. GRCh37 (hg19) VCF-style: chr12-112888211-A-T.
Other names: c.227A>T, p.Glu76Val (NM_001330437.2, NM_080601.3); c.224A>T, p.Glu75Val (NM_001374625.1); short protein forms E76V, E75V.
Identifiers: ClinVar variation 13337 (VCV000013337.16), dbSNP rs121918465, ClinGen allele CA123041.

ClinVar aggregate classification (germline): Pathogenic. Review status: criteria provided, multiple submitters, no conflicts (2 of 4 stars). 8 submissions from 8 submitters: Pathogenic (5). 3 of the submissions do not count toward it. Last evaluated 2026-01-19.

Conditions:
Juvenile myelomonocytic leukemia (JMML). Also called: LEUKEMIA, JUVENILE MYELOMONOCYTIC, SOMATIC. Identifiers: Orphanet 86834, MedGen C0349639, MONDO:0011908, OMIM 607785, HP:0012209.
Noonan syndrome and Noonan-related syndrome. Identifiers: Orphanet 98733, MedGen C5681679, MONDO:0020297.
PTPN11-related disorder. Also called: PTPN11-Related Disorders.
RASopathy. Also called: rasopathies; Noonan spectrum disorder. Identifiers: Orphanet 536391, MedGen C5555857, MONDO:0021060.
Autosomal dominant PTPN11-related disorders.

Submissions (8):

Variantyx, Inc.
Classification: Pathogenic for Autosomal dominant PTPN11-related disorders. Last evaluated: 2026-01-19. Review status: criteria provided, single submitter. Criteria: Variantyx Assertion Criteria 2022. Collection method: clinical testing. Allele origin: germline. Inheritance: Autosomal dominant inheritance. Affected: yes.
Comment: This is a nonsynonymous variant in the PTPN11 gene (OMIM: 176876). Pathogenic variants in this gene have been associated with autosomal dominant PTPN11-related disorders. This variant has been reported in several unrelated affected individuals (PMID: 30266093, 32627857, 34358384, 16358218) (PS4), while it is absent from control populations (PM2). Functional studies have shown that this variant alters PTPN11 protein function (PMID: 25331952) (PS3_Moderate), and multiple computational algorithms predict a deleterious effect for this variant (REVEL score: 0.963) (PP3). Moreover, alternate amino acid changes at this position (p.Glu76Asp, p.Glu76Gln) have been previously reported in similarly affected individuals, which suggests that this residue is biologically important (PMID: 11992261, 12634870) (PM5). Based on the evidence, this variant is classified as pathogenic for autosomal dominant PTPN11-related disorders.

Centre of Medical Genetics, University Hospital Muenster
Classification: Pathogenic. Last evaluated: 2025-04-28. Review status: criteria provided, single submitter. Criteria: ACMG Guidelines, 2015. Collection method: clinical testing. Allele origin: de novo. Affected: yes. Observed: 1 variant allele, 1 heterozygote.
Comment: ACMG categories: PS2,PS4_mod,PM1,PM2_sup,PM5_strong,PP3

Women's Health and Genetics/Laboratory Corporation of America, LabCorp
Classification: Pathogenic for RASopathy. Last evaluated: 2021-05-31. Review status: criteria provided, single submitter. Criteria: LabCorp Variant Classification Summary - May 2015. Collection method: clinical testing. Allele origin: germline.
Comment: Variant summary: PTPN11 c.227A>T (p.Glu76Val) results in a non-conservative amino acid change located in the SH2 domain of the encoded protein sequence. Five of five in-silico tools predict a damaging effect of the variant on protein function. Serine at position 502 interacts with Glutamate at position 76 in the SH2 domain, leading to autoinhibition of PTPN11, and mutational hotspot variants at Serine 502 or Glutamate 76 were shown to activate PTPN11 (example, Chan_2007, PMID 17053061). The variant was absent in 251068 control chromosomes. c.227A>T has been reported in the literature as a de-novo occurrence in fetuses affected with Noonan Syndrome (example, Croonen_2013, Corsten-Janssen_2020, Normand_2018). These data indicate that the variant is likely to be associated with disease. At least one publication reports experimental evidence evaluating an impact on protein function. The most pronounced variant effect results in a constitutively activated SHP2 mutant (SHP2-E76V) that promoted the epithelial-mesenchymal transition phenotype in A549 cells as indicated by increased mRNA levels of transcriptor and mesenchymal genes (example, Li_2014). One clinical diagnostic laboratory has submitted clinical-significance assessments for this variant to ClinVar after 2014 without evidence for independent evaluation and classified the variant as pathogenic. Based on the evidence outlined above, the variant was classified as pathogenic.

Genome Diagnostics Laboratory, The Hospital for Sick Children
Classification: Pathogenic for Noonan syndrome and Noonan-related syndrome. Last evaluated: 2020-11-18. Review status: criteria provided, single submitter. Criteria: ACMG Guidelines, 2015. Collection method: clinical testing. Allele origin: germline. Affected: yes.

Blueprint Genetics
Classification: Pathogenic for PTPN11-related disorders. Last evaluated: 2017-06-12. Review status: criteria provided, single submitter. Criteria: ACMG Guidelines, 2015. Collection method: clinical testing. Allele origin: germline. Affected: yes. Observed: 1 variant allele.

OMIM
Classification: Pathogenic for LEUKEMIA, JUVENILE MYELOMONOCYTIC, SOMATIC. Last evaluated: 2003-06-01. Review status: no assertion criteria provided. Collection method: literature only. Allele origin: somatic. Not counted in ClinVar's aggregate classification.

Diagnostic Laboratory, Department of Genetics, University Medical Center Groningen
Classification: Pathogenic. Review status: no assertion criteria provided. Collection method: clinical testing. Allele origin: germline. Affected: yes. Study: VKGL Data-share Consensus. Not counted in ClinVar's aggregate classification.

Joint Genome Diagnostic Labs from Nijmegen and Maastricht, Radboudumc and MUMC+
Classification: Pathogenic. Review status: no assertion criteria provided. Collection method: clinical testing. Allele origin: germline. Affected: yes. Study: VKGL Data-share Consensus. Not counted in ClinVar's aggregate classification.

Literature cited by the submitters: PubMed 23321623 (cited by Variantyx, Inc.); PubMed 32627857 (cited by Variantyx, Inc.); PubMed 30266093 (cited by Variantyx, Inc.); PubMed 34358384 (cited by Variantyx, Inc.); PubMed 16358218 (cited by Variantyx, Inc.); PubMed 11992261 (cited by Variantyx, Inc.); PubMed 12634870 (cited by Variantyx, Inc.); PubMed 25331952 (cited by Variantyx, Inc.); PubMed 12717436 (cited by OMIM).